The following is an entry in ClinVar:

ClinVar aggregate classification (germline): Pathogenic (1 of 4 stars; one submission).

Conditions:
Amyloidosis, hereditary systemic 1 (AMYLD1). Also called: Familial amyloid polyneuropathy; Transthyretin Amyloidosis; Hereditary oculoleptomeningeal amyloid angiopathy; Familial Transthyretin Amyloidosis; AMYLOID CARDIOMYOPATHY; Hereditary Transthyretin Amyloidosis. Identifiers: Orphanet 85447, Orphanet 85451, MedGen C2751492, MONDO:0971004, OMIM 105210.

Submission:

Labcorp Genetics (formerly Invitae), Labcorp
Classification: Pathogenic for Amyloidosis, hereditary systemic 1. Last evaluated: 2025-12-21. Review status: criteria provided, single submitter. Criteria: Invitae Variant Classification Sherloc (09022015). Collection method: clinical testing. Allele origin: germline.
Comment: This sequence change replaces alanine, which is neutral and non-polar, with aspartic acid, which is acidic and polar, at codon 56 of the TTR protein (p.Ala56Asp). This variant is not present in population databases (gnomAD no frequency). This missense change has been observed in individual(s) with hereditary transthyretin-mediated amyloidosis (hATTR amyloidosis) (PMID: 27646980). This variant is also known as Ala36Asp. ClinVar contains an entry for this variant (Variation ID: 965016). Invitae Evidence Modeling of protein sequence and biophysical properties (such as structural, functional, and spatial information, amino acid conservation, physicochemical variation, residue mobility, and thermodynamic stability) indicates that this missense variant is expected to disrupt TTR protein function with a positive predictive value of 95%. This variant disrupts the p.Ala56 amino acid residue in TTR. Other variant(s) that disrupt this residue have been determined to be pathogenic (PMID: 1358785, 23438977). This suggests that this residue is clinically significant, and that variants that disrupt this residue are likely to be disease-causing. For these reasons, this variant has been classified as Pathogenic.

Literature cited by the submitters: PubMed 27646980; PubMed 1358785; PubMed 23438977.

NM_000371.4(TTR):c.167C>A (p.Ala56Asp)

Gene: TTR (transthyretin; plus strand). Cytogenetic location: 18q12.1.
Variant type: single nucleotide variant.
Coding change: c.167C>A on transcript NM_000371.4 (MANE Select); coding-DNA position 167, C replaced by A.
Protein change: p.Ala56Asp; replaces alanine 56 with aspartic acid.
Molecular consequence: missense variant.
Genome position (GRCh38, 1-based): chr18:31,592,993, C>A. VCF-style: chr18-31592993-C-A. GRCh37 (hg19) VCF-style: chr18-29172956-C-A.
Other names: short protein forms A56D.
Identifiers: ClinVar variation 965016 (VCV000965016.10), dbSNP rs2073494094, ClinGen allele CA402156817.